The following is an entry in ClinVar:

ClinVar aggregate classification (germline): Uncertain significance. Review status: criteria provided, multiple submitters, no conflicts (2 of 4 stars). 3 submissions from 3 submitters: Uncertain significance (3). Last evaluated 2026-04-27.

Conditions:
Inborn genetic diseases. Identifiers: MedGen C0950123, MeSH D030342.
Junctional epidermolysis bullosa gravis of Herlitz. Also called: Epidermolysis Bullosa Letalis; Herlitz-type junctional epidermolysis bullosa; EPIDERMOLYSIS BULLOSA, JUNCTIONAL 1B, SEVERE; EPIDERMOLYSIS BULLOSA JUNCTIONALIS, HERLITZ TYPE; EPIDERMOLYSIS BULLOSA, JUNCTIONAL, HERLITZ-PEARSON TYPE; JEB-HERLITZ TYPE. Identifiers: Orphanet 79404, MedGen C0079683, MONDO:0009182, OMIM 226700.

Allele frequency attached by ClinVar (database versions not stated): gnomAD 0.00006 and 0.00008; 1000 Genomes Project 0.00020; gnomAD exomes 0.00003; ExAC 0.00004; TOPMed 0.00021; 1000 Genomes Project 30x 0.00031; ESP Exome Variant Server 0.00015.
gnomAD v4.1: 65 of 1,614,022 alleles (0.004%); highest among the groups gnomAD compares: Admixed American, 0.017%; no homozygotes.

Submissions (3):

Ambry Genetics
Classification: Uncertain significance for Inborn genetic diseases. Last evaluated: 2026-04-27. Review status: criteria provided, single submitter. Criteria: Ambry Variant Classification Scheme 2023. Collection method: clinical testing. Allele origin: germline.
Comment: The c.404G>A (p.R135H) alteration is located in exon 6 (coding exon 5) of the LAMB3 gene. This alteration results from a G to A substitution at nucleotide position 404, causing the arginine (R) at amino acid position 135 to be replaced by a histidine (H). Based on data from gnomAD, the A allele has an overall frequency of 0.003% (8/250098) total alleles studied. The highest observed frequency was 0.007% (2/30584) of South Asian alleles. Based on insufficient or conflicting evidence, the clinical significance of this alteration remains unclear.

Genome-Nilou Lab
Classification: Uncertain significance for Junctional epidermolysis bullosa gravis of Herlitz. Last evaluated: 2021-06-10. Review status: criteria provided, single submitter. Criteria: ACMG Guidelines, 2015. Collection method: clinical testing. Allele origin: germline. Affected: no.

Eurofins Ntd Llc (ga)
Classification: Uncertain significance. Last evaluated: 2015-08-28. Review status: criteria provided, single submitter. Criteria: EGL Classification Definitions 2015. Collection method: clinical testing. Allele origin: germline. Observed: 1 variant allele, 1 heterozygote.

NM_000228.3(LAMB3):c.404G>A (p.Arg135His)

Gene: LAMB3 (laminin subunit beta 3; minus strand). Cytogenetic location: 1q32.2.
Variant type: single nucleotide variant.
Coding change: c.404G>A on transcript NM_000228.3 (MANE Select); coding-DNA position 404, G replaced by A.
Protein change: p.Arg135His; replaces arginine 135 with histidine.
Molecular consequence: missense variant.
Genome position (GRCh38, 1-based): chr1:209,634,607, C>T on the plus strand (G>A on the coding strand, the complement: LAMB3 is on the minus strand). VCF-style: chr1-209634607-C-T. GRCh37 (hg19) VCF-style: chr1-209807952-C-T.
Other names: c.404G>A, p.Arg135His (NM_001017402.2, NM_001127641.1); c.404G>A (NM_000228.2); short protein forms R135H.
Identifiers: ClinVar variation 282901 (VCV000282901.9), dbSNP rs148603717, ClinGen allele CA1375978.
Genomic context (GRCh38, chr1:209,634,607, plus strand): 5'-GAGGTGCAGTCGGCAGCCAGGTACTGGTACACTCGCCAGGTCTTACCGAAGTCTGAGGAG[C>T]GCTCAATCAGCATGCCGGCGGGCATGGGCCCCTGTGGAGACAGGGGCAGTGTGCAGAGGG-3'
Protein context (NP_000219.2, residues 125-145): GPMPAGMLIE[Arg135His]SSDFGKTWRV